The following is an entry in ClinVar:

NM_001353921.2(ARHGEF9):c.1108A>G (p.Lys370Glu)

Gene: ARHGEF9 (Cdc42 guanine nucleotide exchange factor 9; minus strand). Cytogenetic location: Xq11.1.
Variant type: single nucleotide variant.
Coding change: c.1108A>G on transcript NM_001353921.2 (MANE Select); coding-DNA position 1108, A replaced by G.
Protein change: p.Lys370Glu; replaces lysine 370 with glutamic acid.
Molecular consequence: missense variant. On other transcripts: intron variant (2).
Genome position (GRCh38, 1-based): chrX:63,655,707, T>C on the plus strand (A>G on the coding strand, the complement: ARHGEF9 is on the minus strand). VCF-style: chrX-63655707-T-C. GRCh37 (hg19) VCF-style: chrX-62875587-T-C.
Other names: c.1087A>G, p.Lys363Glu (NM_001369032.1, NM_015185.3, NM_001369030.1 and 1 more transcripts); c.1024A>G, p.Lys342Glu (NM_001369033.1, NM_001369034.1, NM_001369035.1 and 4 more transcripts); c.907A>G, p.Lys303Glu (NM_001369039.1, NM_001369040.1, NM_001353924.2 and 1 more transcripts); c.892A>G, p.Lys298Glu (NM_001369041.1, NM_001353927.2); c.781A>G, p.Lys261Glu (NM_001369042.1, NM_001173480.2); c.541A>G, p.Lys181Glu (NM_001369045.1); c.993+10179A>G (NM_001369043.1, NM_001369044.1); c.928A>G, p.Lys310Glu (NM_001173479.2); and 3 more; short protein forms K181E, K261E, K298E, K303E, K310E, K319E, K326E, K342E.
Identifiers: ClinVar variation 4281984 (VCV004281984.1).

ClinVar aggregate classification (germline): Uncertain significance (1 of 4 stars; one submission).

Submission:

GeneDx
Classification: Uncertain significance. Last evaluated: 2025-04-08. Review status: criteria provided, single submitter. Criteria: GeneDx Variant Classification Process June 2021. Collection method: clinical testing. Allele origin: germline. Affected: yes.
Comment: Not observed at significant frequency in large population cohorts (gnomAD); In silico analysis supports that this missense variant has a deleterious effect on protein structure/function; Has not been previously published as pathogenic or benign to our knowledge